The following is an entry in ClinVar:

ClinVar aggregate classification (germline): Uncertain significance. Review status: criteria provided, multiple submitters, no conflicts (2 of 4 stars). 3 submissions from 3 submitters: Uncertain significance (3). Last evaluated 2024-12-09.

Conditions:
Glutaric aciduria, type 1. Also called: Glutaricaciduria, type I; GA I; Glutaryl-CoA dehydrogenase deficiency; Glutaric acidemia type I; Glutaricacidemia Type 1; Glutaric Acidemia Type 1. Identifiers: Orphanet 25, MedGen C0268595, MONDO:0009281, OMIM 231670.
Inborn genetic diseases. Identifiers: MedGen C0950123, MeSH D030342.

Allele frequency attached by ClinVar (database versions not stated): ExAC 0.00001; gnomAD 0.00002; gnomAD exomes 0.00002 and 0.00003; TOPMed 0.00003.
gnomAD v4.1: 29 of 1,614,080 alleles (0.0018%); highest among the groups gnomAD compares: African/African-American, 0.0013%; no homozygotes.

Submissions (3):

Ambry Genetics
Classification: Uncertain significance for Inborn genetic diseases. Last evaluated: 2024-12-09. Review status: criteria provided, single submitter. Criteria: Ambry Variant Classification Scheme 2023. Collection method: clinical testing. Allele origin: germline.

Labcorp Genetics (formerly Invitae), Labcorp
Classification: Uncertain significance for Glutaric aciduria, type 1. Last evaluated: 2021-11-26. Review status: criteria provided, single submitter. Criteria: Invitae Variant Classification Sherloc (09022015). Collection method: clinical testing. Allele origin: germline.
Comment: This sequence change replaces threonine, which is neutral and polar, with isoleucine, which is neutral and non-polar, at codon 73 of the GCDH protein (p.Thr73Ile). This variant is present in population databases (rs766884691, gnomAD 0.07%). This variant has not been reported in the literature in individuals affected with GCDH-related conditions. ClinVar contains an entry for this variant (Variation ID: 889876). Advanced modeling of protein sequence and biophysical properties (such as structural, functional, and spatial information, amino acid conservation, physicochemical variation, residue mobility, and thermodynamic stability) performed at Invitae indicates that this missense variant is expected to disrupt GCDH protein function. In summary, the available evidence is currently insufficient to determine the role of this variant in disease. Therefore, it has been classified as a Variant of Uncertain Significance.

Illumina Laboratory Services, Illumina
Classification: Uncertain significance for Glutaric aciduria, type 1. Last evaluated: 2017-04-27. Review status: criteria provided, single submitter. Criteria: ICSL Variant Classification Criteria 13 December 2019. Collection method: clinical testing. Allele origin: germline.

NM_000159.4(GCDH):c.218C>T (p.Thr73Ile)

Genes: GCDH (glutaryl-CoA dehydrogenase; plus strand), LOC117125594 (CRISPRi-FlowFISH-validated KLF1 regulatory element; plus strand). Cytogenetic location: 19p13.13.
Variant type: single nucleotide variant.
Coding change: c.218C>T on transcript NM_000159.4 (MANE Select); coding-DNA position 218, C replaced by T.
Protein change: p.Thr73Ile; replaces threonine 73 with isoleucine.
Molecular consequence: missense variant. On other transcripts: non-coding transcript variant (2).
Genome position (GRCh38, 1-based): chr19:12,891,921, C>T. VCF-style: chr19-12891921-C-T. GRCh37 (hg19) VCF-style: chr19-13002735-C-T.
Other names: c.218C>T (NM_000159.2); c.218C>T, p.Thr73Ile (NM_013976.5); short protein forms T73I.
Identifiers: ClinVar variation 889876 (VCV000889876.7), dbSNP rs766884691, ClinGen allele CA9234277.